The following is an entry in ClinVar:

NC_000011.9:g.(?_62105450)_(62156743_?)dup

Gene: ASRGL1 (asparaginase and isoaspartyl peptidase 1; plus strand). Cytogenetic location: 11q12.3.
Variant type: Duplication.
Identifiers: ClinVar variation 1035533 (VCV001035533.6).

ClinVar aggregate classification (germline): Uncertain significance (1 of 4 stars; one submission).

Submission:

Labcorp Genetics (formerly Invitae), Labcorp
Classification: Uncertain significance. Last evaluated: 2023-12-28. Review status: criteria provided, single submitter. Criteria: Invitae Variant Classification Sherloc (09022015). Collection method: clinical testing. Allele origin: germline.
Comment: This variant results in a copy number gain of the genomic region encompassing exon(s) 2-5 of the ASRGL1 gene. This region includes the initiator codon of the gene. This copy number gain extends beyond the assayed region for this gene and therefore may encompass additional genes. As the precise location of this event is unknown, it may be in tandem or it may be located elsewhere in the genome. This variant has not been reported in the literature in individuals affected with ASRGL1-related conditions. Experimental studies and prediction algorithms are not available or were not evaluated, and the functional significance of this variant is currently unknown. In summary, the available evidence is currently insufficient to determine the role of this variant in disease. Therefore, it has been classified as a Variant of Uncertain Significance.